The following is an entry in ClinVar:

NM_153704.6(TMEM67):c.497T>C (p.Leu166Ser)

Gene: TMEM67 (transmembrane protein 67; plus strand). Cytogenetic location: 8q22.1.
Variant type: single nucleotide variant.
Coding change: c.497T>C on transcript NM_153704.6 (MANE Select); coding-DNA position 497, T replaced by C.
Protein change: p.Leu166Ser; replaces leucine 166 with serine.
Molecular consequence: missense variant. On other transcripts: non-coding transcript variant (1).
Genome position (GRCh38, 1-based): chr8:93,763,932, T>C. VCF-style: chr8-93763932-T-C. GRCh37 (hg19) VCF-style: chr8-94776160-T-C.
Other names: c.497T>C (NM_153704.5); c.254T>C, p.Leu85Ser (NM_001142301.1); short protein forms L166S, L85S.
Identifiers: ClinVar variation 1525811 (VCV001525811.8), dbSNP rs1812963679, ClinGen allele CA371686480.

ClinVar aggregate classification (germline): Uncertain significance. Review status: criteria provided, multiple submitters, no conflicts (2 of 4 stars). 3 submissions from 3 submitters: Uncertain significance (3). Last evaluated 2025-07-30.

Conditions:
TMEM67-related disorder. Also called: TMEM67-related condition; TMEM67-related disorders. Identifiers: MedGen CN239423.
Joubert syndrome. Also called: Familial aplasia of the vermis; JOUBERT-BOLTSHAUSER SYNDROME. Identifiers: Orphanet 475, MedGen C5979921, MONDO:0018772.
Meckel-Gruber syndrome. Also called: Dysencephalia splachnocystica; DYSENCEPHALIA SPLANCHNOCYSTICA; GRUBER SYNDROME. Identifiers: Orphanet 564, MedGen C0265215, MONDO:0018921.
Inborn genetic diseases. Identifiers: MedGen C0950123, MeSH D030342.

Allele frequency attached by ClinVar (database versions not stated): TOPMed below 0.00001.

Submissions (3):

PreventionGenetics, part of Exact Sciences
Classification: Uncertain significance for TMEM67-related condition. Last evaluated: 2025-07-30. Review status: criteria provided, single submitter. Criteria: ACMG Guidelines, 2015. Collection method: clinical testing. Allele origin: germline.
Comment: The TMEM67 c.497T>C variant is predicted to result in the amino acid substitution p.Leu166Ser. To our knowledge, this variant has not been reported in the literature or in a large population database (gnomAD), indicating this variant is rare. At this time, the clinical significance of this variant is uncertain due to the absence of conclusive functional and genetic evidence.

Ambry Genetics
Classification: Uncertain significance for Inborn genetic diseases. Last evaluated: 2022-06-24. Review status: criteria provided, single submitter. Criteria: Ambry Variant Classification Scheme 2023. Collection method: clinical testing. Allele origin: germline.

Labcorp Genetics (formerly Invitae), Labcorp
Classification: Uncertain significance for Joubert syndrome; Meckel-Gruber syndrome. Last evaluated: 2021-10-29. Review status: criteria provided, single submitter. Criteria: Invitae Variant Classification Sherloc (09022015). Collection method: clinical testing. Allele origin: germline.
Comment: This sequence change replaces leucine, which is neutral and non-polar, with serine, which is neutral and polar, at codon 166 of the TMEM67 protein (p.Leu166Ser). This variant is not present in population databases (gnomAD no frequency). This variant has not been reported in the literature in individuals affected with TMEM67-related conditions. Advanced modeling of protein sequence and biophysical properties (such as structural, functional, and spatial information, amino acid conservation, physicochemical variation, residue mobility, and thermodynamic stability) performed at Invitae indicates that this missense variant is not expected to disrupt TMEM67 protein function. In summary, the available evidence is currently insufficient to determine the role of this variant in disease. Therefore, it has been classified as a Variant of Uncertain Significance.